The following is an entry in ClinVar:

NM_005476.7(GNE):c.1816+4G>C

Gene: GNE (glucosamine (UDP-N-acetyl)-2-epimerase/N-acetylmannosamine kinase; minus strand). Cytogenetic location: 9p13.3.
Variant type: single nucleotide variant.
Coding change: c.1816+4G>C on transcript NM_005476.7 (MANE Select); 4 bases into the intron after coding-DNA position 1816, G replaced by C.
Molecular consequence: intron variant.
Genome position (GRCh38, 1-based): chr9:36,219,834, C>G on the plus strand (G>C on the coding strand, the complement: GNE is on the minus strand). VCF-style: chr9-36219834-C-G. GRCh37 (hg19) VCF-style: chr9-36219831-C-G.
Other names: c.1639+4G>C (NM_001190388.2, NM_001374798.1); c.1909+4G>C (NM_001128227.3); c.1486+4G>C (NM_001190384.3); c.1663+4G>C (NM_001374797.1); c.1594+4G>C (NM_001190383.3).
Identifiers: ClinVar variation 284491 (VCV000284491.8), dbSNP rs760700813, ClinGen allele CA5056421.

ClinVar aggregate classification (germline): Uncertain significance. Review status: criteria provided, multiple submitters, no conflicts (2 of 4 stars). 3 submissions from 3 submitters: Uncertain significance (2). 1 of the submissions does not count toward it. Last evaluated 2025-06-08.

Conditions:
Sialuria. Also called: Sialic Acid Storage Disease; SIALURIA, FRENCH TYPE. Identifiers: Orphanet 3166, MedGen C0342853, MONDO:0010028, OMIM 269921.
GNE myopathy (NM). Also called: NONAKA DISTAL MYOPATHY; IBM 2; Inclusion body myopathy autosomal recessive; Inclusion body myopathy quadriceps sparing; INCLUSION BODY MYOPATHY, HEREDITARY, AUTOSOMAL RECESSIVE; INCLUSION BODY MYOPATHY 2, AUTOSOMAL RECESSIVE. Identifiers: Orphanet 602, MedGen C1853926, MONDO:0011603, OMIM 605820.

Allele frequency attached by ClinVar (database versions not stated): gnomAD exomes 0.00003; ExAC 0.00004; TOPMed 0.00010.

Submissions (3):

Labcorp Genetics (formerly Invitae), Labcorp
Classification: Uncertain significance for Sialuria; GNE myopathy. Last evaluated: 2025-06-08. Review status: criteria provided, single submitter. Criteria: Invitae Variant Classification Sherloc (09022015). Collection method: clinical testing. Allele origin: germline.
Comment: This sequence change falls in intron 10 of the GNE gene. It does not directly change the encoded amino acid sequence of the GNE protein. It affects a nucleotide within the consensus splice site. This variant is present in population databases (rs760700813, gnomAD 0.04%). This variant has not been reported in the literature in individuals affected with GNE-related conditions. ClinVar contains an entry for this variant (Variation ID: 284491). Variants that disrupt the consensus splice site are a relatively common cause of aberrant splicing (PMID: 17576681, 9536098). Algorithms developed to predict the effect of sequence changes on RNA splicing suggest that this variant is not likely to affect RNA splicing. In summary, the available evidence is currently insufficient to determine the role of this variant in disease. Therefore, it has been classified as a Variant of Uncertain Significance.

Eurofins Ntd Llc (ga)
Classification: Uncertain significance. Last evaluated: 2016-09-26. Review status: criteria provided, single submitter. Criteria: EGL Classification Definitions 2015. Collection method: clinical testing. Allele origin: germline. Observed: 3 variant alleles, 3 heterozygotes.

Natera, Inc.
Classification: Uncertain significance for Nonaka myopathy. Last evaluated: 2020-02-21. Review status: no assertion criteria provided. Collection method: clinical testing. Allele origin: germline. Not counted in ClinVar's aggregate classification.

Literature cited by the submitters: PubMed 17576681 (cited by Labcorp Genetics (formerly Invitae), Labcorp); PubMed 9536098 (cited by Labcorp Genetics (formerly Invitae), Labcorp).